The following is an entry in ClinVar:

ClinVar aggregate classification (germline): Conflicting classifications of pathogenicity. Review status: criteria provided, conflicting classifications (1 of 4 stars). 3 submissions from 3 submitters: Uncertain significance (2); Likely benign (1). Last evaluated 2023-11-20.

Conditions:
Lynch syndrome. Identifiers: Orphanet 144, MedGen C4552100, MONDO:0005835. Disease mechanism: loss of function.
Hereditary cancer-predisposing syndrome. Also called: Neoplastic Syndromes, Hereditary; Hereditary Cancer Syndrome; Tumor predisposition; Hereditary neoplastic syndrome. Identifiers: Orphanet 140162, MedGen C0027672, MeSH D009386, MONDO:0015356.
Lynch syndrome 5 (LYNCH5). Also called: Colorectal cancer, hereditary nonpolyposis, type 5; Hereditary non-polyposis colorectal cancer, type 5. Identifiers: Orphanet 144, MedGen C1833477, MONDO:0013710, OMIM 614350. Disease mechanism: loss of function.

Allele frequency attached by ClinVar (database versions not stated): gnomAD exomes below 0.00001.
gnomAD v4.1: 1 of 1,614,020 alleles (0.000062%); highest among the groups gnomAD compares: East Asian, 0.0022%; no homozygotes.

Submissions (3):

All of Us Research Program, National Institutes of Health
Classification: Uncertain significance for Lynch syndrome. Last evaluated: 2023-11-20. Review status: criteria provided, single submitter. Criteria: ACMG Guidelines, 2015. Collection method: clinical testing. Allele origin: germline. Inheritance: Autosomal dominant inheritance. Observed: 1 variant allele, 1 heterozygote.
Comment: This missense variant replaces alanine with valine at codon 175 of the MSH6 protein. Computational prediction is inconclusive regarding the impact of this variant on protein structure and function (internally defined REVEL score threshold 0.5 < inconclusive < 0.7, PMID: 27666373). To our knowledge, functional studies have not been reported for this variant. This variant has not been reported in individuals affected with MSH6-related disorders in the literature. This variant has been identified in 1/251440 chromosomes in the general population by the Genome Aggregation Database (gnomAD). The available evidence is insufficient to determine the role of this variant in disease conclusively. Therefore, this variant is classified as a Variant of Uncertain Significance.

This study involves interpretation of variants in research participants for the purpose of population health screening. Participant phenotype was not available at the time of variant classification. Additional details can be found in publication PMID: 35346344, PMCID: PMC8962531

Ambry Genetics
Classification: Uncertain significance for Hereditary cancer-predisposing syndrome. Last evaluated: 2023-07-06. Review status: criteria provided, single submitter. Criteria: Ambry Variant Classification Scheme 2023. Collection method: clinical testing. Allele origin: germline.
Comment: The p.A175V variant (also known as c.524C>T), located in coding exon 3 of the MSH6 gene, results from a C to T substitution at nucleotide position 524. The alanine at codon 175 is replaced by valine, an amino acid with similar properties. This amino acid position is highly conserved in available vertebrate species. In addition, the in silico prediction for this alteration is inconclusive. Since supporting evidence is limited at this time, the clinical significance of this alteration remains unclear.

Center for Human Genetics, Inc
Classification: Likely benign for Lynch syndrome 5. Last evaluated: 2016-11-01. Review status: criteria provided, single submitter. Criteria: ACMG Guidelines, 2015. Collection method: clinical testing. Allele origin: germline. Affected: yes.

NM_000179.3(MSH6):c.524C>T (p.Ala175Val)

Gene: MSH6 (mutS homolog 6; plus strand). Cytogenetic location: 2p16.3.
Variant type: single nucleotide variant.
Coding change: c.524C>T on transcript NM_000179.3 (MANE Select); coding-DNA position 524, C replaced by T.
Protein change: p.Ala175Val; replaces alanine 175 with valine.
Molecular consequence: missense variant. On other transcripts: 5 prime UTR variant (1), intron variant (2).
Genome position (GRCh38, 1-based): chr2:47,795,960, C>T. VCF-style: chr2-47795960-C-T. GRCh37 (hg19) VCF-style: chr2-48023099-C-T.
Other names: c.-379C>T (NM_001281494.2); c.-279-2651C>T (NM_001281493.2); c.238-2651C>T (NM_001281492.2); short protein forms A175V.
Identifiers: ClinVar variation 547538 (VCV000547538.4), dbSNP rs1060502929, ClinGen allele CA346738692.